The following is an entry in ClinVar:

ClinVar aggregate classification (germline): Uncertain significance (1 of 4 stars; one submission).

Allele frequency attached by ClinVar (database versions not stated): gnomAD exomes below 0.00001; ExAC 0.00001.
gnomAD v4.1: 1 of 1,613,954 alleles (0.000062%); highest among the groups gnomAD compares: South Asian, 0.0011%; no homozygotes.

Submission:

Labcorp Genetics (formerly Invitae), Labcorp
Classification: Uncertain significance. Last evaluated: 2022-05-27. Review status: criteria provided, single submitter. Criteria: Invitae Variant Classification Sherloc (09022015). Collection method: clinical testing. Allele origin: germline.
Comment: This variant has not been reported in the literature in individuals affected with SLC4A1-related conditions. Algorithms developed to predict the effect of missense changes on protein structure and function are either unavailable or do not agree on the potential impact of this missense change (SIFT: "Deleterious"; PolyPhen-2: "Probably Damaging"; Align-GVGD: "Class C0"). In summary, the available evidence is currently insufficient to determine the role of this variant in disease. Therefore, it has been classified as a Variant of Uncertain Significance. This variant is present in population databases (rs757668165, gnomAD 0.003%). This sequence change replaces tryptophan, which is neutral and slightly polar, with arginine, which is basic and polar, at codon 75 of the SLC4A1 protein (p.Trp75Arg).

NM_000342.4(SLC4A1):c.223T>C (p.Trp75Arg)

Gene: SLC4A1 (solute carrier family 4 member 1 (Diego blood group); minus strand). Cytogenetic location: 17q21.31.
Variant type: single nucleotide variant.
Coding change: c.223T>C on transcript NM_000342.4 (MANE Select); coding-DNA position 223, T replaced by C.
Protein change: p.Trp75Arg; replaces tryptophan 75 with arginine.
Molecular consequence: missense variant.
Genome position (GRCh38, 1-based): chr17:44,260,761, A>G on the plus strand (T>C on the coding strand, the complement: SLC4A1 is on the minus strand). VCF-style: chr17-44260761-A-G. GRCh37 (hg19) VCF-style: chr17-42338129-A-G.
Other names: short protein forms W75R.
Identifiers: ClinVar variation 1999566 (VCV001999566.4), dbSNP rs757668165, ClinGen allele CA8600665.
Genomic context (GRCh38, chr17:44,260,761, plus strand): 5'-CCCAGGCCCCATTCTCCCCCAGGTTCTCCTCCAGTTGCACCCAGCGCGCCGCCTCCATCC[A>G]TCTCAGCTCCTGGTTCTTTTCGTCCATCACCAGCTCCTGCAGCTCCACATAGACCTGTGG-3'
Protein context (NP_000333.1, residues 65-85): VMDEKNQELR[Trp75Arg]MEAARWVQLE